The following is an entry in ClinVar:

ClinVar aggregate classification (germline): Benign. Review status: criteria provided, multiple submitters, no conflicts (2 of 4 stars). 3 submissions from 3 submitters: Benign (2). 1 of the submissions does not count toward it. Last evaluated 2025-12-17.

Conditions:
NFE2L2-related disorder. Also called: NFE2L2-related condition.

Allele frequency attached by ClinVar (database versions not stated): gnomAD exomes 0.00007; ExAC 0.00011; 1000 Genomes Project 30x 0.00016; ESP Exome Variant Server 0.00025; 1000 Genomes Project 0.00040.
gnomAD v4.1: 159 of 1,600,330 alleles (0.0099%); highest among the groups gnomAD compares: African/African-American, 0.12%; 1 homozygote.

Submissions (3):

Labcorp Genetics (formerly Invitae), Labcorp
Classification: Benign. Last evaluated: 2025-12-17. Review status: criteria provided, single submitter. Criteria: Invitae Variant Classification Sherloc (09022015). Collection method: clinical testing. Allele origin: germline.

Breakthrough Genomics
Classification: Benign. Review status: criteria provided, single submitter. Criteria: ACMG Guidelines, 2015. Collection method: not provided. Allele origin: germline. Inheritance: Autosomal dominant inheritance. Affected: yes.

PreventionGenetics, part of Exact Sciences
Classification: Likely benign for NFE2L2-related condition. Last evaluated: 2024-09-17. Review status: no assertion criteria provided. Collection method: clinical testing. Allele origin: germline. Not counted in ClinVar's aggregate classification.
Comment: This variant is classified as likely benign based on ACMG/AMP sequence variant interpretation guidelines (Richards et al. 2015 PMID: 25741868, with internal and published modifications).

NM_006164.5(NFE2L2):c.372G>A (p.Ala124=)

Gene: NFE2L2 (NFE2 like bZIP transcription factor 2; minus strand). Cytogenetic location: 2q31.2.
Variant type: single nucleotide variant.
Coding change: c.372G>A on transcript NM_006164.5 (MANE Select); coding-DNA position 372, G replaced by A.
Protein change: p.Ala124=; no amino-acid change (alanine 124 retained).
Molecular consequence: synonymous variant. On other transcripts: intron variant (1).
Genome position (GRCh38, 1-based): chr2:177,233,280, C>T on the plus strand (G>A on the coding strand, the complement: NFE2L2 is on the minus strand). VCF-style: chr2-177233280-C-T. GRCh37 (hg19) VCF-style: chr2-178098008-C-T.
Other names: c.324G>A, p.Ala108= (NM_001145412.3, NM_001145413.3, NM_001313900.1 and 1 more transcripts); c.153G>A, p.Ala51= (NM_001313903.2); c.72G>A, p.Ala24= (NM_001313904.1); c.313-697G>A (NM_001313902.2); c.372G>A (NM_006164.4).
Identifiers: ClinVar variation 1609229 (VCV001609229.10), dbSNP rs183034165, ClinGen allele CA1979900.